The following is an entry in ClinVar:

NM_144997.7(FLCN):c.59T>A (p.Phe20Tyr)

Gene: FLCN (folliculin; minus strand). Cytogenetic location: 17p11.2.
Variant type: single nucleotide variant.
Coding change: c.59T>A on transcript NM_144997.7 (MANE Select); coding-DNA position 59, T replaced by A.
Protein change: p.Phe20Tyr; replaces phenylalanine 20 with tyrosine.
Molecular consequence: missense variant.
Genome position (GRCh38, 1-based): chr17:17,228,079, A>T on the plus strand (T>A on the coding strand, the complement: FLCN is on the minus strand). VCF-style: chr17-17228079-A-T. GRCh37 (hg19) VCF-style: chr17-17131393-A-T.
Other names: c.59T>A (LRG_325t1); c.59T>A, p.Phe20Tyr (NM_001353229.2, NM_001353230.2, NM_001353231.2 and 1 more transcripts); short protein forms F20Y.
Identifiers: ClinVar variation 460621 (VCV000460621.14), dbSNP rs1555611550, ClinGen allele CA398535414.
Genomic context (GRCh38, chr17:17,228,079, plus strand): 5'-CCAGGACTGTCCTCATTCCCATCCCCTTGAGGAAGTGGGGCGTGCAGCACCTCCGTGCAG[A>T]AGAGAGTGCGGGGGCCGTGGAGCTCGCAGAAGTGGCAGAGAGCCACGATGGCATTCATGG-3'
Protein context (NP_659434.2, residues 10-30): FCELHGPRTL[Phe20Tyr]CTEVLHAPLP

ClinVar aggregate classification (germline): Uncertain significance. Review status: criteria provided, multiple submitters, no conflicts (2 of 4 stars). 2 submissions from 2 submitters: Uncertain significance (2). Last evaluated 2026-05-06.

Conditions:
Hereditary cancer-predisposing syndrome. Also called: Hereditary Cancer Syndrome; Tumor predisposition; Hereditary neoplastic syndrome; Neoplastic Syndromes, Hereditary. Identifiers: Orphanet 140162, MedGen C0027672, MeSH D009386, MONDO:0015356.
Birt-Hogg-Dube syndrome. Also called: Birt Hogg Dubé syndrome. Identifiers: Orphanet 122, MedGen C0346010, MONDO:0800444.

Allele frequency attached by ClinVar (database versions not stated): gnomAD exomes below 0.00001.
gnomAD v4.1: 7 of 1,613,614 alleles (0.00043%); highest among the groups gnomAD compares: Non-Finnish European, 0.00051%; no homozygotes.

Submissions (2):

Ambry Genetics
Classification: Uncertain significance for Hereditary cancer-predisposing syndrome. Last evaluated: 2026-05-06. Review status: criteria provided, single submitter. Criteria: Ambry Variant Classification Scheme 2023. Collection method: clinical testing. Allele origin: germline.

Labcorp Genetics (formerly Invitae), Labcorp
Classification: Uncertain significance for Birt-Hogg-Dube syndrome. Last evaluated: 2025-12-21. Review status: criteria provided, single submitter. Criteria: Invitae Variant Classification Sherloc (09022015). Collection method: clinical testing. Allele origin: germline.
Comment: This sequence change replaces phenylalanine, which is neutral and non-polar, with tyrosine, which is neutral and polar, at codon 20 of the FLCN protein (p.Phe20Tyr). This variant is not present in population databases (gnomAD no frequency). This variant has not been reported in the literature in individuals affected with FLCN-related conditions. ClinVar contains an entry for this variant (Variation ID: 460621). Invitae Evidence Modeling of protein sequence and biophysical properties (such as structural, functional, and spatial information, amino acid conservation, physicochemical variation, residue mobility, and thermodynamic stability) indicates that this missense variant is not expected to disrupt FLCN protein function with a negative predictive value of 80%. In summary, the available evidence is currently insufficient to determine the role of this variant in disease. Therefore, it has been classified as a Variant of Uncertain Significance.